The following is an entry in ClinVar:

ClinVar aggregate classification (germline): Benign. Review status: criteria provided, multiple submitters, no conflicts (2 of 4 stars). 3 submissions from 3 submitters: Benign (3). Last evaluated 2018-06-15.

Allele frequency attached by ClinVar (database versions not stated): 1000 Genomes Project 0.77296; gnomAD 0.81304 and 0.80894; ExAC 0.87581; TOPMed 0.80286; gnomAD exomes 0.91560 and 0.88458; ESP Exome Variant Server 0.79908; 1000 Genomes Project 30x 0.77202.
gnomAD v4.1: 1,454,347 of 1,607,054 alleles (90%); highest among the groups gnomAD compares: Non-Finnish European, 94%; 664,348 homozygotes.

Submissions (3):

GeneDx
Classification: Benign. Last evaluated: 2018-06-15. Review status: criteria provided, single submitter. Criteria: GeneDx Variant Classification (06012015). Collection method: clinical testing. Allele origin: germline. Affected: yes.
Comment: This variant is considered likely benign or benign based on one or more of the following criteria: it is a conservative change, it occurs at a poorly conserved position in the protein, it is predicted to be benign by multiple in silico algorithms, and/or has population frequency not consistent with disease.

Breakthrough Genomics
Classification: Benign. Review status: criteria provided, single submitter. Criteria: ACMG Guidelines, 2015. Collection method: not provided. Allele origin: germline. Inheritance: Autosomal dominant inheritance. Affected: yes.

PreventionGenetics, part of Exact Sciences
Classification: Benign. Review status: criteria provided, single submitter. Criteria: ACMG Guidelines, 2015. Collection method: clinical testing. Allele origin: germline.

NM_005477.3(HCN4):c.1979-41A>G

Gene: HCN4 (hyperpolarization activated cyclic nucleotide gated potassium channel 4; minus strand). Cytogenetic location: 15q24.1.
Variant type: single nucleotide variant.
Coding change: c.1979-41A>G on transcript NM_005477.3 (MANE Select); 41 bases into the intron before coding-DNA position 1979, A replaced by G.
Molecular consequence: intron variant.
Genome position (GRCh38, 1-based): chr15:73,324,294, T>C on the plus strand (A>G on the coding strand, the complement: HCN4 is on the minus strand). VCF-style: chr15-73324294-T-C. GRCh37 (hg19) VCF-style: chr15-73616635-T-C.
Identifiers: ClinVar variation 259779 (VCV000259779.3), dbSNP rs481579, ClinGen allele CA7649148.
Genomic context (GRCh38, chr15:73,324,294, plus strand): 5'-CCGGGTCAGCAGGCAGATCTCTGCCAGAGCATCAGGACTCAGGATGAGGCATGCACAGCC[T>C]GCCCAGGCCAGGGGGACTGCCCACCCTGACCTTGGCCCTGACTGCCTGGCACAGAAGCCT-3'